The following is an entry in ClinVar:

ClinVar aggregate classification (germline): Uncertain significance (1 of 4 stars; one submission).

Allele frequency attached by ClinVar (database versions not stated): TOPMed 0.00018; ExAC 0.00008; gnomAD 0.00013; gnomAD exomes 0.00016.
gnomAD v4.1: 254 of 1,613,902 alleles (0.016%); highest among the groups gnomAD compares: Admixed American, 0.023%; no homozygotes.

Submission:

Labcorp Genetics (formerly Invitae), Labcorp
Classification: Uncertain significance. Last evaluated: 2025-11-27. Review status: criteria provided, single submitter. Criteria: Invitae Variant Classification Sherloc (09022015). Collection method: clinical testing. Allele origin: germline.
Comment: This sequence change replaces proline, which is neutral and non-polar, with serine, which is neutral and polar, at codon 26 of the HMCN1 protein (p.Pro26Ser). This variant is present in population databases (rs201562174, gnomAD 0.02%). This variant has not been reported in the literature in individuals affected with HMCN1-related conditions. ClinVar contains an entry for this variant (Variation ID: 2068265). An algorithm developed to predict the effect of missense changes on protein structure and function outputs the following: PolyPhen-2: "Benign". The serine amino acid residue is found in multiple mammalian species, which suggests that this missense change does not adversely affect protein function. In summary, the available evidence is currently insufficient to determine the role of this variant in disease. Therefore, it has been classified as a Variant of Uncertain Significance.

NM_031935.3(HMCN1):c.76C>T (p.Pro26Ser)

Gene: HMCN1 (hemicentin 1; plus strand). Cytogenetic location: 1q25.3.
Variant type: single nucleotide variant.
Coding change: c.76C>T on transcript NM_031935.3 (MANE Select); coding-DNA position 76, C replaced by T.
Protein change: p.Pro26Ser; replaces proline 26 with serine.
Molecular consequence: missense variant.
Genome position (GRCh38, 1-based): chr1:185,734,855, C>T. VCF-style: chr1-185734855-C-T. GRCh37 (hg19) VCF-style: chr1-185703987-C-T.
Other names: short protein forms P26S.
Identifiers: ClinVar variation 2068265 (VCV002068265.4), dbSNP rs201562174, ClinGen allele CA1290741.
Genomic context (GRCh38, chr1:185,734,855, plus strand): 5'-GTTGTCCATACAGTATTCCTGTTTGCTCTTCTTTATTCTTCCCTAGCTCAAGATGCGAGC[C>T]CCCAGTCAGAGATCAGAGCTGAGGAAATTCCCGAGGGGGCCTCCACGTTGGCTTTTGTGT-3'
Protein context (NP_114141.2, residues 16-36): LYSSLAQDAS[Pro26Ser]QSEIRAEEIP